The following is an entry in ClinVar:

ClinVar aggregate classification (germline): Uncertain significance (1 of 4 stars; one submission).

Allele frequency attached by ClinVar (database versions not stated): gnomAD exomes below 0.00001.
gnomAD v4.1: 5 of 1,595,790 alleles (0.00031%); highest among the groups gnomAD compares: East Asian, 0.0023%; no homozygotes.

Submission:

Labcorp Genetics (formerly Invitae), Labcorp
Classification: Uncertain significance. Last evaluated: 2022-08-02. Review status: criteria provided, single submitter. Criteria: Invitae Variant Classification Sherloc (09022015). Collection method: clinical testing. Allele origin: germline.
Comment: In summary, the available evidence is currently insufficient to determine the role of this variant in disease. Therefore, it has been classified as a Variant of Uncertain Significance. Variants that disrupt the consensus splice site are a relatively common cause of aberrant splicing (PMID: 17576681, 9536098). Algorithms developed to predict the effect of sequence changes on RNA splicing suggest that this variant may disrupt the consensus splice site. This variant has not been reported in the literature in individuals affected with ASAH1-related conditions. This variant is present in population databases (no rsID available, gnomAD 0.0009%). This sequence change affects an acceptor splice site in intron 13 of the ASAH1 gene. While this variant is not anticipated to result in nonsense mediated decay, it likely alters RNA splicing and results in a disrupted protein product.

Literature cited by the submitters: PubMed 17576681; PubMed 9536098.

NM_177924.5(ASAH1):c.1099-2A>G

Gene: ASAH1 (N-acylsphingosine amidohydrolase 1; minus strand). Cytogenetic location: 8p22.
Variant type: single nucleotide variant.
Coding change: c.1099-2A>G on transcript NM_177924.5 (MANE Select); the canonical splice acceptor site of the intron before coding-DNA position 1099, A replaced by G.
Molecular consequence: splice acceptor variant.
Genome position (GRCh38, 1-based): chr8:18,057,625, T>C on the plus strand (A>G on the coding strand, the complement: ASAH1 is on the minus strand). VCF-style: chr8-18057625-T-C. GRCh37 (hg19) VCF-style: chr8-17915134-T-C.
Other names: c.1147-2A>G (NM_004315.6); c.1081-2A>G (NM_001127505.3); c.904-2A>G (NM_001363743.2).
Identifiers: ClinVar variation 1959713 (VCV001959713.5), dbSNP rs1473408336, ClinGen allele CA370442748.